The following is an entry in ClinVar:

NM_001903.5(CTNNA1):c.2662_*1dup (p.Gln887_Ter907=)

Gene: CTNNA1 (catenin alpha 1; plus strand). Cytogenetic location: 5q31.2.
Variant type: Duplication.
Coding change: c.2662_*1dup on transcript NM_001903.5 (MANE Select); coding-DNA position 2662 through 1 bases downstream of the stop codon, 61 bases duplicated.
Protein change: p.Gln887_Ter907=.
Molecular consequence: no sequence alteration. On other transcripts: 3 prime UTR variant (5).
Genome position (GRCh38, 1-based): chr5:138,934,030-138,934,090, 61 bases duplicated. GRCh37 (hg19): chr5:138,269,719-138,269,779.
Other names: c.*207_*267dup (NM_001290307.3, NM_001324002.1, NM_001324003.1 and 2 more transcripts); c.2353_*1dup, p.Gln784_Ter804= (NM_001290309.3); c.2293_*1dup, p.Gln764_Ter784= (NM_001290310.3); c.1552_*1dup, p.Gln517_Ter537= (NM_001290312.1, NM_001323987.1, NM_001323988.1 and 12 more transcripts); c.2662_*1dup, p.Gln887_Ter907= (NM_001323982.2, NM_001323983.1, NM_001323984.2); c.2635_*1dup, p.Gln878_Ter898= (NM_001323985.2); c.2569_*1dup, p.Gln856_Ter876= (NM_001323986.2); c.1417_*1dup, p.Gln472_Ter492= (NM_001324001.1); and 3 more.
Identifiers: ClinVar variation 1408825 (VCV001408825.6), dbSNP rs2150360183, ClinGen allele CA2573139171.

ClinVar aggregate classification (germline): Uncertain significance (1 of 4 stars; one submission).

Submission:

Labcorp Genetics (formerly Invitae), Labcorp
Classification: Uncertain significance. Last evaluated: 2022-11-22. Review status: criteria provided, single submitter. Criteria: Invitae Variant Classification Sherloc (09022015). Collection method: clinical testing. Allele origin: germline.
Comment: This variant occurs in a non-coding region of the CTNNA1 gene. It does not change the encoded amino acid sequence of the CTNNA1 protein. In summary, the available evidence is currently insufficient to determine the role of this variant in disease. Therefore, it has been classified as a Variant of Uncertain Significance. ClinVar contains an entry for this variant (Variation ID: 1408825). This variant has not been reported in the literature in individuals affected with CTNNA1-related conditions. This variant is not present in population databases (gnomAD no frequency).